The following is an entry in ClinVar:

ClinVar aggregate classification (germline): Uncertain significance. Review status: criteria provided, multiple submitters, no conflicts (2 of 4 stars). 2 submissions from 2 submitters: Uncertain significance (2). Last evaluated 2024-02-13.

Conditions:
Hereditary cancer-predisposing syndrome. Also called: Hereditary neoplastic syndrome; Tumor predisposition; Neoplastic Syndromes, Hereditary; Hereditary Cancer Syndrome. Identifiers: Orphanet 140162, MedGen C0027672, MeSH D009386, MONDO:0015356.

Allele frequency attached by ClinVar (database versions not stated): gnomAD exomes below 0.00001 and 0.00001; ExAC 0.00001.
gnomAD v4.1: 1 of 1,614,066 alleles (0.000062%); highest among the groups gnomAD compares: East Asian, 0.0022%; no homozygotes.

Submissions (2):

Labcorp Genetics (formerly Invitae), Labcorp
Classification: Uncertain significance. Last evaluated: 2024-02-13. Review status: criteria provided, single submitter. Criteria: Invitae Variant Classification Sherloc (09022015). Collection method: clinical testing. Allele origin: germline.
Comment: This sequence change replaces arginine, which is basic and polar, with methionine, which is neutral and non-polar, at codon 1359 of the POLE protein (p.Arg1359Met). This variant is present in population databases (rs769322068, gnomAD 0.01%). This variant has not been reported in the literature in individuals affected with POLE-related conditions. ClinVar contains an entry for this variant (Variation ID: 1349002). Advanced modeling of protein sequence and biophysical properties (such as structural, functional, and spatial information, amino acid conservation, physicochemical variation, residue mobility, and thermodynamic stability) performed at Invitae indicates that this missense variant is not expected to disrupt POLE protein function with a negative predictive value of 80%. In summary, the available evidence is currently insufficient to determine the role of this variant in disease. Therefore, it has been classified as a Variant of Uncertain Significance.

Ambry Genetics
Classification: Uncertain significance for Hereditary cancer-predisposing syndrome. Last evaluated: 2022-12-10. Review status: criteria provided, single submitter. Criteria: Ambry Variant Classification Scheme 2023. Collection method: clinical testing. Allele origin: germline.
Comment: The p.R1359M variant (also known as c.4076G>T), located in coding exon 32 of the POLE gene, results from a G to T substitution at nucleotide position 4076. The arginine at codon 1359 is replaced by methionine, an amino acid with similar properties. This amino acid position is conserved. In addition, this alteration is predicted to be tolerated by in silico analysis. Since supporting evidence is limited at this time, the clinical significance of this alteration remains unclear.

NM_006231.4(POLE):c.4076G>T (p.Arg1359Met)

Gene: POLE (DNA polymerase epsilon, catalytic subunit; minus strand). Cytogenetic location: 12q24.33.
Variant type: single nucleotide variant.
Coding change: c.4076G>T on transcript NM_006231.4 (MANE Select); coding-DNA position 4076, G replaced by T.
Protein change: p.Arg1359Met; replaces arginine 1359 with methionine.
Molecular consequence: missense variant.
Genome position (GRCh38, 1-based): chr12:132,649,002, C>A on the plus strand (G>T on the coding strand, the complement: POLE is on the minus strand). VCF-style: chr12-132649002-C-A. GRCh37 (hg19) VCF-style: chr12-133225588-C-A.
Other names: c.4076G>T (NM_006231.2); short protein forms R1359M.
Identifiers: ClinVar variation 1349002 (VCV001349002.7), dbSNP rs769322068, ClinGen allele CA6893006.